The following is an entry in ClinVar:

NM_003803.4(MYOM1):c.4340-1G>A

Gene: MYOM1 (myomesin 1; minus strand). Cytogenetic location: 18p11.31.
Variant type: single nucleotide variant.
Coding change: c.4340-1G>A on transcript NM_003803.4 (MANE Select); the canonical splice acceptor site of the intron before coding-DNA position 4340, G replaced by A.
Molecular consequence: splice acceptor variant.
Genome position (GRCh38, 1-based): chr18:3,084,028, C>T on the plus strand (G>A on the coding strand, the complement: MYOM1 is on the minus strand). VCF-style: chr18-3084028-C-T. GRCh37 (hg19) VCF-style: chr18-3084026-C-T.
Other names: c.4052-1G>A (NM_019856.2).
Identifiers: ClinVar variation 3688658 (VCV003688658.2).
Genomic context (GRCh38, chr18:3,084,028, plus strand): 5'-GGTGCGAAATGTTTGACTCACCTATTTTTTTGCATACTTCCATCATCAGTTCCTTAAAGG[C>T]TGTGGAGAGAGATTCAGAGCCAAAACTTTAGCATAAAAATTCTCAATGTAAGGTTAAATC-3'

ClinVar aggregate classification (germline): Uncertain significance (1 of 4 stars; one submission).

Conditions:
Hypertrophic cardiomyopathy. Also called: HYPERTROPHIC MYOCARDIOPATHY. Identifiers: Orphanet 217569, MedGen C0007194, MeSH D002312, MONDO:0005045, HP:0001639.

gnomAD v4.1: 1 of 1,579,186 alleles (0.000063%); highest among the groups gnomAD compares: Non-Finnish European, 0.000086%; no homozygotes.

Submission:

Labcorp Genetics (formerly Invitae), Labcorp
Classification: Uncertain significance for Hypertrophic cardiomyopathy. Last evaluated: 2024-02-15. Review status: criteria provided, single submitter. Criteria: Invitae Variant Classification Sherloc (09022015). Collection method: clinical testing. Allele origin: germline.
Comment: This sequence change affects an acceptor splice site in intron 31 of the MYOM1 gene. It is expected to disrupt RNA splicing. Variants that disrupt the donor or acceptor splice site typically lead to a loss of protein function (PMID: 16199547), however the current clinical and genetic evidence is not sufficient to establish whether loss-of-function variants in MYOM1 cause disease. This variant is not present in population databases (gnomAD no frequency). This variant has not been reported in the literature in individuals affected with MYOM1-related conditions. Algorithms developed to predict the effect of sequence changes on RNA splicing suggest that this variant may disrupt the consensus splice site. In summary, the available evidence is currently insufficient to determine the role of this variant in disease. Therefore, it has been classified as a Variant of Uncertain Significance.

Literature cited by the submitters: PubMed 16199547.